The following is an entry in ClinVar:

ClinVar aggregate classification (germline): Uncertain significance (1 of 4 stars; one submission).

Conditions:
Spastic paraplegia. Identifiers: MedGen C0037772, HP:0001258.

Allele frequency attached by ClinVar (database versions not stated): ExAC 0.00005; gnomAD exomes 0.00008 and 0.00025; TOPMed 0.00012; gnomAD 0.00013 and 0.00014.
gnomAD v4.1: 376 of 1,613,230 alleles (0.023%); highest among the groups gnomAD compares: Non-Finnish European, 0.031%; no homozygotes.

Submission:

Labcorp Genetics (formerly Invitae), Labcorp
Classification: Uncertain significance for Spastic paraplegia. Last evaluated: 2022-11-24. Review status: criteria provided, single submitter. Criteria: Invitae Variant Classification Sherloc (09022015). Collection method: clinical testing. Allele origin: germline.
Comment: This sequence change replaces arginine, which is basic and polar, with cysteine, which is neutral and slightly polar, at codon 420 of the ARSI protein (p.Arg420Cys). This variant is present in population databases (rs201427501, gnomAD 0.02%). This variant has not been reported in the literature in individuals affected with ARSI-related conditions. ClinVar contains an entry for this variant (Variation ID: 1039820). Advanced modeling of protein sequence and biophysical properties (such as structural, functional, and spatial information, amino acid conservation, physicochemical variation, residue mobility, and thermodynamic stability) performed at Invitae indicates that this missense variant is expected to disrupt ARSI protein function. In summary, the available evidence is currently insufficient to determine the role of this variant in disease. Therefore, it has been classified as a Variant of Uncertain Significance.

NM_001012301.4(ARSI):c.1258C>T (p.Arg420Cys)

Gene: ARSI (arylsulfatase family member I; minus strand). Cytogenetic location: 5q32.
Variant type: single nucleotide variant.
Coding change: c.1258C>T on transcript NM_001012301.4 (MANE Select); coding-DNA position 1258, C replaced by T.
Protein change: p.Arg420Cys; replaces arginine 420 with cysteine.
Molecular consequence: missense variant.
Genome position (GRCh38, 1-based): chr5:150,297,666, G>A on the plus strand (C>T on the coding strand, the complement: ARSI is on the minus strand). VCF-style: chr5-150297666-G-A. GRCh37 (hg19) VCF-style: chr5-149677229-G-A.
Other names: short protein forms R420C.
Identifiers: ClinVar variation 1039820 (VCV001039820.8), dbSNP rs201427501, ClinGen allele CA3510130.